The following is an entry in ClinVar:

NM_001458.5(FLNC):c.245T>A (p.Met82Lys)

Gene: FLNC (filamin C; plus strand). Cytogenetic location: 7q32.1.
Variant type: single nucleotide variant.
Coding change: c.245T>A on transcript NM_001458.5 (MANE Select); coding-DNA position 245, T replaced by A.
Protein change: p.Met82Lys; replaces methionine 82 with lysine.
Molecular consequence: missense variant.
Genome position (GRCh38, 1-based): chr7:128,830,882, T>A. VCF-style: chr7-128830882-T-A. GRCh37 (hg19) VCF-style: chr7-128470936-T-A.
Other names: c.245T>A (NM_001458.4); c.245T>A, p.Met82Lys (NM_001127487.2); short protein forms M82K.
Identifiers: ClinVar variation 1390789 (VCV001390789.7), dbSNP rs1807859917, ClinGen allele CA369216584.

ClinVar aggregate classification (germline): Uncertain significance. Review status: criteria provided, multiple submitters, no conflicts (2 of 4 stars). 2 submissions from 2 submitters: Uncertain significance (2). Last evaluated 2025-12-09.

Conditions:
Distal myopathy with posterior leg and anterior hand involvement. Also called: WILLIAMS DISTAL MYOPATHY. Identifiers: Orphanet 63273, MedGen C3279722, MONDO:0013550, OMIM 614065.
Myofibrillar myopathy 5. Also called: FILAMINOPATHY, AUTOSOMAL DOMINANT; Filaminopathy (type). Identifiers: Orphanet 171445, MedGen C1836050, MONDO:0012289, OMIM 609524.
Hypertrophic cardiomyopathy 26. Also called: Cardiomyopathy, familial hypertrophic, 26. Identifiers: Orphanet 75249, MedGen C4310749, MONDO:0014883, OMIM 617047.
Cardiovascular phenotype. Identifiers: MedGen CN230736.

Submissions (2):

Labcorp Genetics (formerly Invitae), Labcorp
Classification: Uncertain significance for Distal myopathy with posterior leg and anterior hand involvement; Myofibrillar myopathy 5; Hypertrophic cardiomyopathy 26. Last evaluated: 2025-12-09. Review status: criteria provided, single submitter. Criteria: Invitae Variant Classification Sherloc (09022015). Collection method: clinical testing. Allele origin: germline.
Comment: This sequence change replaces methionine, which is neutral and non-polar, with lysine, which is basic and polar, at codon 82 of the FLNC protein (p.Met82Lys). This variant is not present in population databases (gnomAD no frequency). This variant has not been reported in the literature in individuals affected with FLNC-related conditions. ClinVar contains an entry for this variant (Variation ID: 1390789). Invitae Evidence Modeling of protein sequence and biophysical properties (such as structural, functional, and spatial information, amino acid conservation, physicochemical variation, residue mobility, and thermodynamic stability) has been performed for this missense variant. However, the output from this modeling did not meet the statistical confidence thresholds required to predict the impact of this variant on FLNC protein function. In summary, the available evidence is currently insufficient to determine the role of this variant in disease. Therefore, it has been classified as a Variant of Uncertain Significance.

Ambry Genetics
Classification: Uncertain significance for Cardiovascular phenotype. Last evaluated: 2022-12-13. Review status: criteria provided, single submitter. Criteria: Ambry Variant Classification Scheme 2023. Collection method: clinical testing. Allele origin: germline.
Comment: The p.M82K variant (also known as c.245T>A), located in coding exon 1 of the FLNC gene, results from a T to A substitution at nucleotide position 245. The methionine at codon 82 is replaced by lysine, an amino acid with similar properties. This amino acid position is conserved. In addition, this alteration is predicted to be deleterious by in silico analysis. Since supporting evidence is limited at this time, the clinical significance of this alteration remains unclear.